The following is an entry in ClinVar:

ClinVar aggregate classification (germline): Likely pathogenic (1 of 4 stars; one submission).

Conditions:
Amyotrophic lateral sclerosis type 1 (ALS1). Also called: AMYOTROPHIC LATERAL SCLEROSIS 1, FAMILIAL. Identifiers: Orphanet 803, MedGen C1862939, MONDO:0007103, OMIM 105400.

Submission:

Institute of Immunology and Genetics Kaiserslautern
Classification: Likely pathogenic for Amyotrophic lateral sclerosis type 1. Last evaluated: 2025-06-18. Review status: criteria provided, single submitter. Criteria: ACMG Guidelines, 2015. Collection method: clinical testing. Allele origin: germline. Affected: yes.
Comment: ACMG Criteria: PVS1, PM2, PP3; Variant was found in heterozygous state.

NM_000454.5(SOD1):c.73-1G>A

Gene: SOD1 (superoxide dismutase 1; plus strand). Cytogenetic location: 21q22.11.
Variant type: single nucleotide variant.
Coding change: c.73-1G>A on transcript NM_000454.5 (MANE Select); the canonical splice acceptor site of the intron before coding-DNA position 73, G replaced by A.
Molecular consequence: splice acceptor variant.
Genome position (GRCh38, 1-based): chr21:31,663,789, G>A. VCF-style: chr21-31663789-G-A. GRCh37 (hg19) VCF-style: chr21-33036102-G-A.
Identifiers: ClinVar variation 4074739 (VCV004074739.1).